The following is an entry in ClinVar:

NM_172364.5(CACNA2D4):c.1753A>G (p.Asn585Asp)

Gene: CACNA2D4 (calcium voltage-gated channel auxiliary subunit alpha2delta 4; minus strand). Cytogenetic location: 12p13.33.
Variant type: single nucleotide variant.
Coding change: c.1753A>G on transcript NM_172364.5 (MANE Select); coding-DNA position 1753, A replaced by G.
Protein change: p.Asn585Asp; replaces asparagine 585 with aspartic acid.
Molecular consequence: missense variant.
Genome position (GRCh38, 1-based): chr12:1,875,304, T>C on the plus strand (A>G on the coding strand, the complement: CACNA2D4 is on the minus strand). VCF-style: chr12-1875304-T-C. GRCh37 (hg19) VCF-style: chr12-1984470-T-C.
Other names: short protein forms N585D.
Identifiers: ClinVar variation 1378621 (VCV001378621.6), dbSNP rs1414963762, ClinGen allele CA383351364.
Genomic context (GRCh38, chr12:1,875,304, plus strand): 5'-CACTCACAGATTCAGCCTGGTCTTCCCACTCCACTTCGGAGAGATCCACACTGTTGTAGT[T>C]AGGTTTGGGTTTTAGTTTCTTCCCCTCTCTGTACTGGAGTGGGCAGGTCAGGAAGAAAAA-3'
Protein context (NP_758952.4, residues 575-595): REGKKLKPKP[Asn585Asp]YNSVDLSEVE

ClinVar aggregate classification (germline): Uncertain significance (1 of 4 stars; one submission).

Allele frequency attached by ClinVar (database versions not stated): TOPMed below 0.00001; gnomAD exomes 0.00001.
gnomAD v4.1: 3 of 1,613,896 alleles (0.00019%); highest among the groups gnomAD compares: Admixed American, 0.0033%; no homozygotes.

Submission:

Labcorp Genetics (formerly Invitae), Labcorp
Classification: Uncertain significance. Last evaluated: 2024-11-05. Review status: criteria provided, single submitter. Criteria: Invitae Variant Classification Sherloc (09022015). Collection method: clinical testing. Allele origin: germline.
Comment: This sequence change replaces asparagine, which is neutral and polar, with aspartic acid, which is acidic and polar, at codon 585 of the CACNA2D4 protein (p.Asn585Asp). This variant is present in population databases (no rsID available, gnomAD 0.006%). This variant has not been reported in the literature in individuals affected with CACNA2D4-related conditions. ClinVar contains an entry for this variant (Variation ID: 1378621). An algorithm developed to predict the effect of missense changes on protein structure and function (PolyPhen-2) suggests that this variant is likely to be tolerated. In summary, the available evidence is currently insufficient to determine the role of this variant in disease. Therefore, it has been classified as a Variant of Uncertain Significance.